The following is an entry in ClinVar:

ClinVar aggregate classification (germline): Likely benign. Review status: criteria provided, multiple submitters, no conflicts (2 of 4 stars). 3 submissions from 3 submitters: Likely benign (3). Last evaluated 2025-11-09.

Conditions:
TSPEAR-related disorder. Also called: TSPEAR-related condition.

Allele frequency attached by ClinVar (database versions not stated): TOPMed 0.00006; gnomAD 0.00013 and 0.00014; ESP Exome Variant Server 0.00015.
gnomAD v4.1: 226 of 1,613,984 alleles (0.014%); highest among the groups gnomAD compares: Middle Eastern, 0.016%; 1 homozygote.

Submissions (3):

PreventionGenetics, part of Exact Sciences
Classification: Likely benign for TSPEAR-related condition. Last evaluated: 2025-11-09. Review status: criteria provided, single submitter. Criteria: ACMG Guidelines, 2015. Collection method: clinical testing. Allele origin: germline.
Comment: This variant is classified as likely benign based on ACMG/AMP sequence variant interpretation guidelines (Richards et al. 2015 PMID: 25741868, with internal and published modifications).

GeneDx
Classification: Likely benign. Last evaluated: 2018-05-11. Review status: criteria provided, single submitter. Criteria: GeneDx Variant Classification (06012015). Collection method: clinical testing. Allele origin: germline. Affected: yes.
Comment: This variant is considered likely benign or benign based on one or more of the following criteria: it is a conservative change, it occurs at a poorly conserved position in the protein, it is predicted to be benign by multiple in silico algorithms, and/or has population frequency not consistent with disease.

Breakthrough Genomics
Classification: Likely benign. Review status: criteria provided, single submitter. Criteria: ACMG Guidelines, 2015. Collection method: not provided. Allele origin: germline. Inheritance: Autosomal recessive inheritance. Affected: yes.

NM_144991.3(TSPEAR):c.1387C>T (p.Arg463Trp)

Gene: TSPEAR (thrombospondin type laminin G domain and EAR repeats; minus strand). Cytogenetic location: 21q22.3.
Variant type: single nucleotide variant.
Coding change: c.1387C>T on transcript NM_144991.3 (MANE Select); coding-DNA position 1387, C replaced by T.
Protein change: p.Arg463Trp; replaces arginine 463 with tryptophan.
Molecular consequence: missense variant.
Genome position (GRCh38, 1-based): chr21:44,522,062, G>A on the plus strand (C>T on the coding strand, the complement: TSPEAR is on the minus strand). VCF-style: chr21-44522062-G-A. GRCh37 (hg19) VCF-style: chr21-45941945-G-A.
Other names: c.1183C>T, p.Arg395Trp (NM_001272037.2); short protein forms R395W, R463W.
Identifiers: ClinVar variation 667548 (VCV000667548.3), dbSNP rs144625664, ClinGen allele CA10056589.